The following is an entry in ClinVar:

ClinVar aggregate classification (germline): Likely benign (1 of 4 stars; one submission).

Conditions:
Pheochromocytoma/paraganglioma syndrome 5. Also called: Paragangliomas 5; SDHA-Related Hereditary Paraganglioma-Pheochromocytoma Syndrome. Identifiers: Orphanet 29072, MedGen C3279992, MONDO:0013602, OMIM 614165.

Submission:

Myriad Genetics, Inc.
Classification: Likely benign for Pheochromocytoma/paraganglioma syndrome 5. Last evaluated: 2025-03-03. Review status: criteria provided, single submitter. Criteria: Myriad Autosomal Dominant, Autosomal Recessive and X-Linked Classification Criteria (2023). Collection method: clinical testing. Allele origin: unknown.
Comment: This variant is considered likely benign. This variant is intronic and is not expected to impact mRNA splicing.

NM_004168.4(SDHA):c.622-14_622-13del

Gene: SDHA (succinate dehydrogenase complex flavoprotein subunit A; plus strand). Cytogenetic location: 5p15.33.
Variant type: Deletion.
Coding change: c.622-14_622-13del on transcript NM_004168.4 (MANE Select); 14 bases into the intron before coding-DNA position 622 through 13 bases into the intron before coding-DNA position 622, 2 bases deleted (TT; older notation c.622-14_622-13delTT).
Molecular consequence: intron variant.
Genome position (GRCh38, 1-based): chr5:228,171-228,172, TT deleted; deleting any 2 consecutive bases within chr5:228,164-228,172 gives the same sequence; the c. name uses the placement nearest the transcript's 3' end. VCF-style (leftmost placement, unchanged base first): chr5-228163-CTT-C. GRCh37 (hg19) VCF-style: chr5-228278-CTT-C.
Other names: c.622-14_622-13del (NM_001330758.2); c.478-14_478-13del (NM_001294332.2).
Identifiers: ClinVar variation 3904418 (VCV003904418.1).
Genomic context (GRCh38, chr5:228,163, plus strand): 5'-CCTATTCACATGAGCAGATACCACCTTAAAACCTTAAAGTTTGGCTTAACACTTCTTGCC[CTT>C]TTTTTTTCCTTTCTTTTAGTCTCTGCGATATGATACCAGCTATTTTGTGGAGTATTTTGC-3'